The following is an entry in ClinVar:

NM_014804.3(KIAA0753):c.2009+3A>G

Gene: KIAA0753 (KIAA0753; minus strand). Cytogenetic location: 17p13.1.
Variant type: single nucleotide variant.
Coding change: c.2009+3A>G on transcript NM_014804.3 (MANE Select); 3 bases into the intron after coding-DNA position 2009, A replaced by G.
Molecular consequence: intron variant.
Genome position (GRCh38, 1-based): chr17:6,606,870, T>C on the plus strand (A>G on the coding strand, the complement: KIAA0753 is on the minus strand). VCF-style: chr17-6606870-T-C. GRCh37 (hg19) VCF-style: chr17-6510190-T-C.
Other names: c.1112+3A>G (NM_001351225.2).
Identifiers: ClinVar variation 1478774 (VCV001478774.3), dbSNP rs762477034, ClinGen allele CA8330323.

ClinVar aggregate classification (germline): Uncertain significance (1 of 4 stars; one submission).

Allele frequency attached by ClinVar (database versions not stated): ExAC 0.00001; gnomAD exomes 0.00001; TOPMed 0.00003; gnomAD 0.00005 and 0.00007.
gnomAD v4.1: 15 of 1,611,614 alleles (0.00093%); highest among the groups gnomAD compares: African/African-American, 0.012%; no homozygotes.

Submission:

Labcorp Genetics (formerly Invitae), Labcorp
Classification: Uncertain significance. Last evaluated: 2022-07-26. Review status: criteria provided, single submitter. Criteria: Invitae Variant Classification Sherloc (09022015). Collection method: clinical testing. Allele origin: germline.
Comment: This sequence change falls in intron 12 of the KIAA0753 gene. It does not directly change the encoded amino acid sequence of the KIAA0753 protein. It affects a nucleotide within the consensus splice site. This variant is present in population databases (rs762477034, gnomAD 0.01%). This variant has not been reported in the literature in individuals affected with KIAA0753-related conditions. ClinVar contains an entry for this variant (Variation ID: 1478774). Variants that disrupt the consensus splice site are a relatively common cause of aberrant splicing (PMID: 17576681, 9536098). Algorithms developed to predict the effect of sequence changes on RNA splicing suggest that this variant may disrupt the consensus splice site. In summary, the available evidence is currently insufficient to determine the role of this variant in disease. Therefore, it has been classified as a Variant of Uncertain Significance.

Literature cited by the submitters: PubMed 17576681; PubMed 9536098.